The following is an entry in ClinVar:

NM_000211.5(ITGB2):c.1828C>T (p.Pro610Ser)

Gene: ITGB2 (integrin subunit beta 2; minus strand). Cytogenetic location: 21q22.3.
Variant type: single nucleotide variant.
Coding change: c.1828C>T on transcript NM_000211.5 (MANE Select); coding-DNA position 1828, C replaced by T.
Protein change: p.Pro610Ser; replaces proline 610 with serine.
Molecular consequence: missense variant.
Genome position (GRCh38, 1-based): chr21:44,889,325, G>A on the plus strand (C>T on the coding strand, the complement: ITGB2 is on the minus strand). VCF-style: chr21-44889325-G-A. GRCh37 (hg19) VCF-style: chr21-46309240-G-A.
Other names: c.1828C>T, p.Pro610Ser (NM_001127491.3); c.1621C>T, p.Pro541Ser (NM_001303238.2); short protein forms P541S, P610S.
Identifiers: ClinVar variation 842156 (VCV000842156.10), dbSNP rs2083749841, ClinGen allele CA410483878.

ClinVar aggregate classification (germline): Uncertain significance (1 of 4 stars; one submission).

Conditions:
Leukocyte adhesion deficiency 1 (LAD1). Also called: LEUKOCYTE ADHESION DEFICIENCY, TYPE I; LAD 1; Lymphocyte function-associated antigen 1 immunodeficiency; LFA 1 immunodeficiency. Identifiers: Orphanet 2968, Orphanet 99842, MedGen C0398738, MONDO:0007293, OMIM 116920.

Allele frequency attached by ClinVar (database versions not stated): gnomAD exomes below 0.00001.
gnomAD v4.1: 1 of 1,612,886 alleles (0.000062%); no homozygotes.

Submission:

Labcorp Genetics (formerly Invitae), Labcorp
Classification: Uncertain significance for Leukocyte adhesion deficiency 1. Last evaluated: 2020-02-22. Review status: criteria provided, single submitter. Criteria: Invitae Variant Classification Sherloc (09022015). Collection method: clinical testing. Allele origin: germline.
Comment: This variant has not been reported in the literature in individuals with ITGB2-related conditions. This variant is not present in population databases (ExAC no frequency). This sequence change replaces proline with serine at codon 610 of the ITGB2 protein (p.Pro610Ser). The proline residue is highly conserved and there is a moderate physicochemical difference between proline and serine. Algorithms developed to predict the effect of missense changes on protein structure and function (SIFT, PolyPhen-2, Align-GVGD) all suggest that this variant is likely to be disruptive, but these predictions have not been confirmed by published functional studies and their clinical significance is uncertain. In summary, the available evidence is currently insufficient to determine the role of this variant in disease. Therefore, it has been classified as a Variant of Uncertain Significance.